The following is an entry in ClinVar:

NM_001283009.2(RTEL1):c.905A>G (p.Asp302Gly)

Genes: RTEL1 (regulator of telomere elongation helicase 1; plus strand), RTEL1-TNFRSF6B (RTEL1-TNFRSF6B readthrough (NMD candidate); plus strand). Cytogenetic location: 20q13.33.
Variant type: single nucleotide variant.
Coding change: c.905A>G on transcript NM_001283009.2 (MANE Select); coding-DNA position 905, A replaced by G.
Protein change: p.Asp302Gly; replaces aspartic acid 302 with glycine.
Molecular consequence: missense variant. On other transcripts: non-coding transcript variant (1).
Genome position (GRCh38, 1-based): chr20:63,674,079, A>G. VCF-style: chr20-63674079-A-G. GRCh37 (hg19) VCF-style: chr20-62305432-A-G.
Other names: c.236A>G, p.Asp79Gly (NM_001283010.1); c.905A>G, p.Asp302Gly (NM_016434.4); c.977A>G, p.Asp326Gly (NM_032957.5); short protein forms D302G, D326G, D79G.
Identifiers: ClinVar variation 1402346 (VCV001402346.6), dbSNP rs776979963, ClinGen allele CA9964482.

ClinVar aggregate classification (germline): Uncertain significance. Review status: criteria provided, multiple submitters, no conflicts (2 of 4 stars). 2 submissions from 2 submitters: Uncertain significance (2). Last evaluated 2025-02-08.

Conditions:
Inborn genetic diseases. Identifiers: MedGen C0950123, MeSH D030342.
Pulmonary fibrosis and/or bone marrow failure, Telomere-related, 3. Also called: PULMONARY FIBROSIS AND/OR BONE MARROW FAILURE SYNDROME, TELOMERE-RELATED, 3. Identifiers: Orphanet 2032, MedGen C4225346, MONDO:0014613, OMIM 616373.
Dyskeratosis congenita, autosomal recessive 5 (DKCB5). Identifiers: MedGen C3554656, MONDO:0014076, OMIM 615190.

Allele frequency attached by ClinVar (database versions not stated): gnomAD 0.00001; TOPMed 0.00002; ExAC 0.00003.
gnomAD v4.1: 14 of 1,604,930 alleles (0.00087%); highest among the groups gnomAD compares: Middle Eastern, 0.017%; no homozygotes.

Submissions (2):

Ambry Genetics
Classification: Uncertain significance for Inborn genetic diseases. Last evaluated: 2025-02-08. Review status: criteria provided, single submitter. Criteria: Ambry Variant Classification Scheme 2023. Collection method: clinical testing. Allele origin: germline.
Comment: The p.D302G variant (also known as c.905A>G), located in coding exon 9 of the RTEL1 gene, results from an A to G substitution at nucleotide position 905. The aspartic acid at codon 302 is replaced by glycine, an amino acid with similar properties. This amino acid position is conserved. In addition, this alteration is predicted to be tolerated by in silico analysis. Based on the available evidence, the clinical significance of this variant remains unclear.

Labcorp Genetics (formerly Invitae), Labcorp
Classification: Uncertain significance for Dyskeratosis congenita, autosomal recessive 5; Pulmonary fibrosis and/or bone marrow failure, Telomere-related, 3. Last evaluated: 2024-06-08. Review status: criteria provided, single submitter. Criteria: Invitae Variant Classification Sherloc (09022015). Collection method: clinical testing. Allele origin: germline.
Comment: This sequence change replaces aspartic acid, which is acidic and polar, with glycine, which is neutral and non-polar, at codon 302 of the RTEL1 protein (p.Asp302Gly). This variant is present in population databases (rs776979963, gnomAD 0.005%). This variant has not been reported in the literature in individuals affected with RTEL1-related conditions. ClinVar contains an entry for this variant (Variation ID: 1402346). Algorithms developed to predict the effect of missense changes on protein structure and function output the following: SIFT: "Not Available"; PolyPhen-2: "Benign"; Align-GVGD: "Not Available". The glycine amino acid residue is found in multiple mammalian species, which suggests that this missense change does not adversely affect protein function. Algorithms developed to predict the effect of sequence changes on RNA splicing suggest that this variant may disrupt the consensus splice site. In summary, the available evidence is currently insufficient to determine the role of this variant in disease. Therefore, it has been classified as a Variant of Uncertain Significance.